The following is an entry in ClinVar:

ClinVar aggregate classification (germline): Uncertain significance. Review status: criteria provided, multiple submitters, no conflicts (2 of 4 stars). 2 submissions from 2 submitters: Uncertain significance (2). Last evaluated 2025-07-14.

Conditions:
Hereditary cancer-predisposing syndrome. Also called: Neoplastic Syndromes, Hereditary; Tumor predisposition; Hereditary neoplastic syndrome; Hereditary Cancer Syndrome. Identifiers: Orphanet 140162, MedGen C0027672, MeSH D009386, MONDO:0015356.
Multiple endocrine neoplasia, type 2 (MEN2). Identifiers: Orphanet 653, MedGen C4048306, MONDO:0019003. Disease mechanism: gain of function.

Allele frequency attached by ClinVar (database versions not stated): gnomAD exomes below 0.00001.
gnomAD v4.1: 1 of 1,613,024 alleles (0.000062%); highest among the groups gnomAD compares: Admixed American, 0.0017%; no homozygotes.

Submissions (2):

Ambry Genetics
Classification: Uncertain significance for Hereditary cancer-predisposing syndrome. Last evaluated: 2025-07-14. Review status: criteria provided, single submitter. Criteria: Ambry Variant Classification Scheme 2023. Collection method: clinical testing. Allele origin: germline.
Comment: The p.D627N variant (also known as c.1879G>A), located in coding exon 10 of the RET gene, results from a G to A substitution at nucleotide position 1879. The amino acid change results in aspartic acid to asparagine at codon 627, an amino acid with highly similar properties. However, this change occurs in the last base pair of coding exon 10, which makes it likely to have some effect on normal mRNA splicing. This nucleotide position is highly conserved in available vertebrate species. In silico splice site analysis for this alteration is inconclusive. This amino acid position is poorly conserved in available vertebrate species. In addition, as a missense substitution, the in silico prediction for this alteration is inconclusive. Based on the available evidence, the clinical significance of this variant remains unclear.

Labcorp Genetics (formerly Invitae), Labcorp
Classification: Uncertain significance for Multiple endocrine neoplasia, type 2. Last evaluated: 2023-04-15. Review status: criteria provided, single submitter. Criteria: Invitae Variant Classification Sherloc (09022015). Collection method: clinical testing. Allele origin: germline.
Comment: This variant has not been reported in the literature in individuals affected with RET-related conditions. In summary, the available evidence is currently insufficient to determine the role of this variant in disease. Therefore, it has been classified as a Variant of Uncertain Significance. Variants that disrupt the consensus splice site are a relatively common cause of aberrant splicing (PMID: 17576681, 9536098). An algorithm developed to predict the effect of missense changes on protein structure and function (PolyPhen-2) suggests that this variant¬† is likely to be tolerated. ClinVar contains an entry for this variant (Variation ID: 1352643). This variant is not present in population databases (gnomAD no frequency). This sequence change replaces aspartic acid, which is acidic and polar, with asparagine, which is neutral and polar, at codon 627 of the RET protein (p.Asp627Asn). This variant also falls at the last nucleotide of exon 10, which is part of the consensus splice site for this exon.

Literature cited by the submitters: PubMed 17576681 (cited by Labcorp Genetics (formerly Invitae), Labcorp); PubMed 9536098 (cited by Labcorp Genetics (formerly Invitae), Labcorp).

NM_020975.6(RET):c.1879G>A (p.Asp627Asn)

Gene: RET (ret proto-oncogene; plus strand). Cytogenetic location: 10q11.21.
Variant type: single nucleotide variant.
Coding change: c.1879G>A on transcript NM_020975.6 (MANE Select); coding-DNA position 1879, G replaced by A.
Protein change: p.Asp627Asn; replaces aspartic acid 627 with asparagine.
Molecular consequence: missense variant.
Genome position (GRCh38, 1-based): chr10:43,113,675, G>A. VCF-style: chr10-43113675-G-A. GRCh37 (hg19) VCF-style: chr10-43609123-G-A.
Other names: c.1879G>A, p.Asp627Asn (NM_000323.2, NM_001406743.1, NM_001406744.1 and 4 more transcripts); c.1117G>A, p.Asp373Asn (NM_001355216.2); c.1750G>A, p.Asp584Asn (NM_001406761.1, NM_001406762.1, NM_001406764.1); c.1879G>A, p.Ala627Thr (NM_001406763.1, NM_001406765.1); c.1591G>A, p.Asp531Asn (NM_001406766.1, NM_001406767.1, NM_001406770.1); c.1750G>A, p.Ala584Thr (NM_001406768.1); c.1483G>A, p.Asp495Asn (NM_001406769.1, NM_001406772.1); c.1441G>A, p.Asp481Asn (NM_001406771.1, NM_001406773.1); and 8 more; short protein forms D373N, D627N, D144N, D452N, D481N, D495N, D531N, D297N.
Identifiers: ClinVar variation 1352643 (VCV001352643.10), dbSNP rs2132832112, ClinGen allele CA376552869.